The following is an entry in ClinVar:

ClinVar aggregate classification (germline): Uncertain significance (1 of 4 stars; one submission).

Conditions:
Hereditary cancer-predisposing syndrome. Also called: Hereditary neoplastic syndrome; Hereditary Cancer Syndrome; Neoplastic Syndromes, Hereditary; Tumor predisposition. Identifiers: Orphanet 140162, MedGen C0027672, MeSH D009386, MONDO:0015356.

Submission:

Ambry Genetics
Classification: Uncertain significance for Hereditary cancer-predisposing syndrome. Last evaluated: 2023-04-18. Review status: criteria provided, single submitter. Criteria: Ambry Variant Classification Scheme 2023. Collection method: clinical testing. Allele origin: germline.
Comment: The p.N2636K variant (also known as c.7908T>G), located in coding exon 15 of the APC gene, results from a T to G substitution at nucleotide position 7908. The asparagine at codon 2636 is replaced by lysine, an amino acid with similar properties. This amino acid position is conserved. In addition, in silico predictors for this gene do not accurately predict pathogenicity. Since supporting evidence is limited at this time, the clinical significance of this alteration remains unclear.

NM_000038.6(APC):c.7908T>G (p.Asn2636Lys)

Gene: APC (APC regulator of Wnt signaling pathway; plus strand). Cytogenetic location: 5q22.2.
Variant type: single nucleotide variant.
Coding change: c.7908T>G on transcript NM_000038.6 (MANE Select); coding-DNA position 7908, T replaced by G.
Protein change: p.Asn2636Lys; replaces asparagine 2636 with lysine.
Molecular consequence: missense variant. On other transcripts: non-coding transcript variant (2).
Genome position (GRCh38, 1-based): chr5:112,843,502, T>G. VCF-style: chr5-112843502-T-G. GRCh37 (hg19) VCF-style: chr5-112179199-T-G.
Other names: c.7908T>G, p.Asn2636Lys (NM_001127510.3, NM_001354895.2, NM_001407450.1); c.7854T>G, p.Asn2618Lys (NM_001127511.3); c.7962T>G, p.Asn2654Lys (NM_001354896.2, NM_001407447.1, NM_001407448.1 and 1 more transcripts); c.7938T>G, p.Asn2646Lys (NM_001354897.2); c.7833T>G, p.Asn2611Lys (NM_001354898.2); c.7824T>G, p.Asn2608Lys (NM_001354899.2); c.7785T>G, p.Asn2595Lys (NM_001354900.2); c.7731T>G, p.Asn2577Lys (NM_001354901.2, NM_001407453.1); and 11 more; short protein forms N2507K, N2545K, N2608K, N2611K, N2626K, N2636K, N2353K, N2577K.
Identifiers: ClinVar variation 2566990 (VCV002566990.2), dbSNP rs2533828467, ClinGen allele CA16038507.
Genomic context (GRCh38, chr5:112,843,502, plus strand): 5'-AGAAAATGAATTTTCTCCCACAAATAGTACTTCTCAGACCGTTTCCTCAGGTGCTACAAA[T>G]GGTGCTGAATCAAAGACTCTAATTTATCAAATGGCACCTGCTGTTTCTAAAACAGAGGAT-3'
Protein context (NP_000029.2, residues 2626-2646): TSQTVSSGAT[Asn2636Lys]GAESKTLIYQ